The following is an entry in ClinVar:

ClinVar aggregate classification (germline): Likely benign (1 of 4 stars; one submission).

Allele frequency attached by ClinVar (database versions not stated): TOPMed 0.00002; 1000 Genomes Project 30x 0.00016.
gnomAD v4.1: 10 of 1,525,104 alleles (0.00066%); highest among the groups gnomAD compares: East Asian, 0.02%; no homozygotes.

Submission:

GeneDx
Classification: Likely benign. Last evaluated: 2012-06-08. Review status: criteria provided, single submitter. Criteria: GeneDx Variant Classification (06012015). Collection method: clinical testing. Allele origin: germline. Affected: yes.
Comment: This variant is considered likely benign or benign based on one or more of the following criteria: it is a conservative change, it occurs at a poorly conserved position in the protein, it is predicted to be benign by multiple in silico algorithms, and/or has population frequency not consistent with disease.

NM_018129.4(PNPO):c.-6C>A

Gene: PNPO (pyridoxamine 5'-phosphate oxidase; plus strand). Cytogenetic location: 17q21.32.
Variant type: single nucleotide variant.
Coding change: c.-6C>A on transcript NM_018129.4 (MANE Select); 6 bases upstream of the start codon, C replaced by A.
Molecular consequence: 5 prime UTR variant.
Genome position (GRCh38, 1-based): chr17:47,941,670, C>A. VCF-style: chr17-47941670-C-A. GRCh37 (hg19) VCF-style: chr17-46019036-C-A.
Identifiers: ClinVar variation 206437 (VCV000206437.1), dbSNP rs762339867, ClinGen allele CA316542.